The following is an entry in ClinVar:

ClinVar aggregate classification (germline): Uncertain significance. Review status: criteria provided, multiple submitters, no conflicts (2 of 4 stars). 2 submissions from 2 submitters: Uncertain significance (2). Last evaluated 2022-02-05.

Conditions:
Epidermolysis bullosa simplex with nail dystrophy (EBS5D). Identifiers: MedGen C4225309, MONDO:0014661, OMIM 616487.
Epidermolysis bullosa simplex 5B, with muscular dystrophy (EBS5B). Also called: EPIDERMOLYSIS BULLOSA SIMPLEX AND LIMB-GIRDLE MUSCULAR DYSTROPHY; Epidermolysis bullosa simplex with muscular dystrophy. Identifiers: Orphanet 257, MedGen C2931072, MONDO:0009181, OMIM 226670.
Epidermolysis bullosa simplex, Ogna type (EBS5A). Also called: Pidermolysis bullosa simplex 5A, Ogna type; EPIDERMOLYSIS BULLOSA SIMPLEX 5A, OGNA TYPE. Identifiers: Orphanet 79401, MedGen C0432317, MONDO:0007555, OMIM 131950.
Epidermolysis bullosa simplex 5C, with pyloric atresia (EBS5C). Also called: PLEC-Related Epidermolysis Bullosa with Pyloric Atresia; Epidermolysis bullosa simplex with pyloric atresia; PLEC1-Related Epidermolysis Bullosa with Pyloric Atresia. Identifiers: Orphanet 158684, MedGen C2677349, MONDO:0012807, OMIM 612138.
Autosomal recessive limb-girdle muscular dystrophy type 2Q (LGMDR17). Also called: MUSCULAR DYSTROPHY, LIMB-GIRDLE, AUTOSOMAL RECESSIVE 17. Identifiers: Orphanet 254361, MedGen C3150989, MONDO:0013390, OMIM 613723.

Allele frequency attached by ClinVar (database versions not stated): TOPMed 0.00001.
gnomAD v4.1: 7 of 1,610,630 alleles (0.00043%); highest among the groups gnomAD compares: East Asian, 0.0089%; no homozygotes.

Submissions (2):

Labcorp Genetics (formerly Invitae), Labcorp
Classification: Uncertain significance for Autosomal recessive limb-girdle muscular dystrophy type 2Q; Epidermolysis bullosa simplex, Ogna type; Epidermolysis bullosa simplex with nail dystrophy; Epidermolysis bullosa simplex 5C, with pyloric atresia; Epidermolysis bullosa simplex 5B, with muscular dystrophy. Last evaluated: 2022-02-05. Review status: criteria provided, single submitter. Criteria: Invitae Variant Classification Sherloc (09022015). Collection method: clinical testing. Allele origin: germline.
Comment: In summary, the available evidence is currently insufficient to determine the role of this variant in disease. Therefore, it has been classified as a Variant of Uncertain Significance. Algorithms developed to predict the effect of sequence changes on RNA splicing suggest that this variant may create or strengthen a splice site. Algorithms developed to predict the effect of missense changes on protein structure and function are either unavailable or do not agree on the potential impact of this missense change (SIFT: "Deleterious"; PolyPhen-2: "Possibly Damaging"; Align-GVGD: "Class C0"). ClinVar contains an entry for this variant (Variation ID: 1027191). This variant has not been reported in the literature in individuals affected with PLEC-related conditions. This variant is present in population databases (rs368572993, gnomAD 0.01%). This sequence change replaces arginine, which is basic and polar, with glycine, which is neutral and non-polar, at codon 3133 of the PLEC protein (p.Arg3133Gly).

Revvity Omics, Revvity
Classification: Uncertain significance. Last evaluated: 2020-09-14. Review status: criteria provided, single submitter. Criteria: ACMG Guidelines, 2015. Collection method: clinical testing. Allele origin: germline.

NM_201384.3(PLEC):c.9316A>G (p.Arg3106Gly)

Gene: PLEC (plectin; minus strand). Cytogenetic location: 8q24.3.
Variant type: single nucleotide variant.
Coding change: c.9316A>G on transcript NM_201384.3 (MANE Select); coding-DNA position 9316, A replaced by G.
Protein change: p.Arg3106Gly; replaces arginine 3106 with glycine.
Molecular consequence: missense variant.
Genome position (GRCh38, 1-based): chr8:143,920,505, T>C on the plus strand (A>G on the coding strand, the complement: PLEC is on the minus strand). VCF-style: chr8-143920505-T-C. GRCh37 (hg19) VCF-style: chr8-144994673-T-C.
Other names: c.9397A>G (NM_000445.3); c.9397A>G, p.Arg3133Gly (NM_000445.5); c.9274A>G, p.Arg3092Gly (NM_201378.4); c.9250A>G, p.Arg3084Gly (NM_201379.3); c.9727A>G, p.Arg3243Gly (NM_201380.4); c.9220A>G, p.Arg3074Gly (NM_201381.3); c.9316A>G, p.Arg3106Gly (NM_201382.4); c.9328A>G, p.Arg3110Gly (NM_201383.3); short protein forms R3074G, R3084G, R3092G, R3106G, R3110G, R3133G, R3243G.
Identifiers: ClinVar variation 1027191 (VCV001027191.11), dbSNP rs368572993, ClinGen allele CA4925006.